The following is an entry in ClinVar:

ClinVar aggregate classification (germline): Pathogenic/Likely pathogenic. Review status: criteria provided, multiple submitters, no conflicts (2 of 4 stars). 2 submissions from 2 submitters: Pathogenic (1); Likely pathogenic (1). Last evaluated 2024-08-24.

Conditions:
Peroxisome biogenesis disorder 3A (Zellweger). Also called: PEROXISOMAL BIOGENESIS DISORDER 3A (ZELLWEGER); Peroxisome biogenesis disorder 3A. Identifiers: Orphanet 912, MedGen C3553929, MONDO:0013927, OMIM 614859.

Submissions (2):

Labcorp Genetics (formerly Invitae), Labcorp
Classification: Pathogenic for Peroxisome biogenesis disorder 3A (Zellweger). Last evaluated: 2024-08-24. Review status: criteria provided, single submitter. Criteria: Invitae Variant Classification Sherloc (09022015). Collection method: clinical testing. Allele origin: germline.
Comment: This sequence change creates a premature translational stop signal (p.Gln17Hisfs*7) in the PEX12 gene. It is expected to result in an absent or disrupted protein product. Loss-of-function variants in PEX12 are known to be pathogenic (PMID: 9090384, 9632816, 21031596). This variant is not present in population databases (gnomAD no frequency). This variant has not been reported in the literature in individuals affected with PEX12-related conditions. ClinVar contains an entry for this variant (Variation ID: 1400207). Algorithms developed to predict the effect of sequence changes on RNA splicing suggest that this variant may disrupt the consensus splice site. For these reasons, this variant has been classified as Pathogenic.

Genetic Services Laboratory, University of Chicago
Classification: Likely pathogenic. Last evaluated: 2024-06-04. Review status: criteria provided, single submitter. Criteria: ACMG Guidelines, 2015. Collection method: clinical testing. Allele origin: germline. Affected: yes.
Comment: DNA sequence analysis of the PEX12 gene demonstrated a 4 base pair deletion in exon 1, c.2292G>A. This likely pathogenic sequence change results in an amino acid frameshift and creates a premature stop codon 6 amino acids downstream of the change, p.Gln17Hisfs*7. This sequence change is predicted to result in an abnormal transcript, which may be degraded, or may lead to the production of a truncated PEX12 protein with potentially abnormal function. The c.51_54del sequence change has not been described in the population databases such as ExAC and gnomAD. While this sequence change has not previously been described in the literature, other loss-of-function variants in the PEX12 gene have been described in individuals with PEX12-related disorders (PMID: 9090384, 9632816, 21031596). Collectively, this evidence indicates that this sequence change is likely pathogenic, however functional studies have not been performed to prove this conclusively.

Literature cited by the submitters: PubMed 9090384 (cited by Labcorp Genetics (formerly Invitae), Labcorp); PubMed 9632816 (cited by Labcorp Genetics (formerly Invitae), Labcorp); PubMed 21031596 (cited by Labcorp Genetics (formerly Invitae), Labcorp).

NM_000286.3(PEX12):c.51_54del (p.Gln17fs)

Gene: PEX12 (peroxisomal biogenesis factor 12; minus strand). Cytogenetic location: 17q12.
Variant type: Deletion.
Coding change: c.51_54del on transcript NM_000286.3 (MANE Select); coding-DNA positions 51 to 54, 4 bases deleted (GCCA; older notation c.51_54delGCCA).
Protein change: p.Gln17fs; shifts the reading frame from glutamine 17.
Molecular consequence: frameshift variant.
Genome position (GRCh38, 1-based): chr17:35,577,968-35,577,971, TGGC deleted on the plus strand (GCCA on the coding strand, the reverse complement: PEX12 is on the minus strand); deleting any 4 consecutive bases within chr17:35,577,968-35,577,974 gives the same sequence; the c. name uses the placement nearest the transcript's 3' end. VCF-style (leftmost placement, unchanged base first): chr17-35577967-ATGGC-A. GRCh37 (hg19) VCF-style: chr17-33904986-ATGGC-A.
Other names: short protein forms Q17fs.
Identifiers: ClinVar variation 1400207 (VCV001400207.8), dbSNP rs886041458, ClinGen allele CA728431060.